The following is an entry in ClinVar:

ClinVar aggregate classification (germline): Uncertain significance (1 of 4 stars; one submission).

Submission:

Labcorp Genetics (formerly Invitae), Labcorp
Classification: Uncertain significance. Last evaluated: 2025-12-01. Review status: criteria provided, single submitter. Criteria: Invitae Variant Classification Sherloc (09022015). Collection method: clinical testing. Allele origin: germline.
Comment: This sequence change affects codon 51 of the MC3R mRNA. It is a 'silent' change, meaning that it does not change the encoded amino acid sequence of the MC3R protein. This variant is present in population databases (rs552089681, gnomAD 0.003%). This variant has not been reported in the literature in individuals affected with MC3R-related conditions. In summary, the available evidence is currently insufficient to determine the role of this variant in disease. Therefore, it has been classified as a Variant of Uncertain Significance.

NM_019888.3(MC3R):c.153C>T (p.Val51=)

Gene: MC3R (melanocortin 3 receptor; plus strand). Cytogenetic location: 20q13.2.
Variant type: single nucleotide variant.
Coding change: c.153C>T on transcript NM_019888.3 (MANE Select); coding-DNA position 153, C replaced by T.
Protein change: p.Val51=; no amino-acid change (valine 51 retained).
Molecular consequence: synonymous variant.
Genome position (GRCh38, 1-based): chr20:56,248,996, C>T. VCF-style: chr20-56248996-C-T. GRCh37 (hg19) VCF-style: chr20-54824052-C-T.
Identifiers: ClinVar variation 4732032 (VCV004732032.1).
Genomic context (GRCh38, chr20:56,248,996, plus strand): 5'-CAGCGCCTTCTGTGAGCAGGTCTTCATCAAGCCCGAGGTTTTCCTGTCTCTGGGCATCGT[C>T]AGTCTGCTGGAAAACATCCTGGTTATCCTGGCCGTGGTCAGGAACGGCAACCTGCACTCC-3'
Protein context (NP_063941.3, residues 41-61): KPEVFLSLGI[Val51=]SLLENILVIL